The following is an entry in ClinVar:

ClinVar aggregate classification (germline): Pathogenic (1 of 4 stars; one submission).

Submission:

ISCA site 17
Classification: Pathogenic. Last evaluated: 2011-08-12. Review status: criteria provided, single submitter. Criteria: Kaminsky et al. (Genet Med. 2011). Collection method: clinical testing. Allele origin: unknown. Affected: yes. Observed: 1 variant allele.
Comment: Copy number variation identified through the course of routine clinical cytogenomic testing in postnatal populations. Clinical assertions have been curated as described in Kaminsky et al. 2011.

GRCh38/hg38 2p25.2-24.3(chr2:6531172-16103799)x1

Genes: LPIN1 (lipin 1; plus strand), LRATD1 (LRAT domain containing 1; plus strand), MBOAT2 (membrane bound glycerophospholipid O-acyltransferase 2; minus strand), MIR3125 (microRNA 3125; plus strand), MIR3681 (microRNA 3681; plus strand) and 295 more. Cytogenetic location: 2p25.2-24.3.
Variant type: copy number loss.
Change: copy number 1 (one copy instead of two) of chr2:6,531,172-16,103,799 (9.57 Mb, GRCh38 coordinates, 1-based), cytogenetic band 2p25.2-24.3.
Identifiers: ClinVar variation 60105 (VCV000060105.1).